The following is an entry in ClinVar:

ClinVar aggregate classification (germline): Uncertain significance (1 of 4 stars; one submission).

gnomAD v4.1: 9 of 1,589,650 alleles (0.00057%); highest among the groups gnomAD compares: Admixed American, 0.014%; no homozygotes.

Submission:

Labcorp Genetics (formerly Invitae), Labcorp
Classification: Uncertain significance. Last evaluated: 2025-10-19. Review status: criteria provided, single submitter. Criteria: Invitae Variant Classification Sherloc (09022015). Collection method: clinical testing. Allele origin: germline.
Comment: This sequence change falls in intron 3 of the SMAD2 gene. It does not directly change the encoded amino acid sequence of the SMAD2 protein. It affects a nucleotide within the consensus splice site. This variant is present in population databases (rs766929516, gnomAD 0.02%). This variant has not been reported in the literature in individuals affected with SMAD2-related conditions. Variants that disrupt the consensus splice site are a relatively common cause of aberrant splicing (PMID: 17576681, 9536098). Algorithms developed to predict the effect of sequence changes on RNA splicing suggest that this variant is not likely to affect RNA splicing. In summary, the available evidence is currently insufficient to determine the role of this variant in disease. Therefore, it has been classified as a Variant of Uncertain Significance.

Literature cited by the submitters: PubMed 17576681; PubMed 9536098.

NM_005901.6(SMAD2):c.327-3C>A

Gene: SMAD2 (SMAD family member 2; minus strand). Cytogenetic location: 18q21.1.
Variant type: single nucleotide variant.
Coding change: c.327-3C>A on transcript NM_005901.6 (MANE Select); 3 bases into the intron before coding-DNA position 327, C replaced by A.
Molecular consequence: intron variant.
Genome position (GRCh38, 1-based): chr18:47,869,439, G>T on the plus strand (C>A on the coding strand, the complement: SMAD2 is on the minus strand). VCF-style: chr18-47869439-G-T. GRCh37 (hg19) VCF-style: chr18-45395810-G-T.
Other names: c.237-3C>A (NM_001135937.3); c.327-3C>A (NM_001003652.4).
Identifiers: ClinVar variation 4748974 (VCV004748974.1).
Genomic context (GRCh38, chr18:47,869,439, plus strand): 5'-ATATATAACATGTGGCAATCCTTTTCGATGGGATACCTGGAGACGACCATCAAGAGACCT[G>T]TTGGGAAGCAAGGGGAAAAGAAAGGAGGGAACTTTAAAAAAAAAAAAAAAAAAGTGCAGT-3'